The following is an entry in ClinVar:

NM_000264.5(PTCH1):c.4291G>A (p.Glu1431Lys)

Gene: PTCH1 (patched 1; minus strand). Cytogenetic location: 9q22.32.
Variant type: single nucleotide variant.
Coding change: c.4291G>A on transcript NM_000264.5 (MANE Select); coding-DNA position 4291, G replaced by A.
Protein change: p.Glu1431Lys; replaces glutamic acid 1431 with lysine.
Molecular consequence: missense variant. On other transcripts: non-coding transcript variant (1).
Genome position (GRCh38, 1-based): chr9:95,446,965, C>T on the plus strand (G>A on the coding strand, the complement: PTCH1 is on the minus strand). VCF-style: chr9-95446965-C-T. GRCh37 (hg19) VCF-style: chr9-98209247-C-T.
Other names: c.4093G>A, p.Glu1365Lys (NM_001083602.3); c.4288G>A, p.Glu1430Lys (NM_001083603.3); c.3838G>A, p.Glu1280Lys (NM_001083604.3, NM_001083605.3, NM_001083606.3 and 1 more transcripts); c.4135G>A, p.Glu1379Lys (NM_001354918.2); c.4291G>A (NM_000264.3); short protein forms E1280K, E1365K, E1379K, E1430K, E1431K.
Identifiers: ClinVar variation 1057323 (VCV001057323.10), dbSNP rs766876016, ClinGen allele CA5137904.

ClinVar aggregate classification (germline): Uncertain significance. Review status: criteria provided, multiple submitters, no conflicts (2 of 4 stars). 2 submissions from 2 submitters: Uncertain significance (2). Last evaluated 2024-07-01.

Conditions:
Gorlin syndrome. Also called: Basal cell nevus syndrome; Nevoid Basal Cell Carcinoma Syndrome. Identifiers: Orphanet 377, MedGen C0004779, MONDO:0007187.
Hereditary cancer-predisposing syndrome. Also called: Tumor predisposition; Neoplastic Syndromes, Hereditary; Hereditary Cancer Syndrome; Hereditary neoplastic syndrome. Identifiers: Orphanet 140162, MedGen C0027672, MeSH D009386, MONDO:0015356.

Allele frequency attached by ClinVar (database versions not stated): gnomAD exomes below 0.00001; TOPMed below 0.00001; ExAC 0.00001; gnomAD 0.00001.
gnomAD v4.1: 5 of 1,614,108 alleles (0.00031%); highest among the groups gnomAD compares: Non-Finnish European, 0.00034%; no homozygotes.

Submissions (2):

Ambry Genetics
Classification: Uncertain significance for Hereditary cancer-predisposing syndrome. Last evaluated: 2024-07-01. Review status: criteria provided, single submitter. Criteria: Ambry Variant Classification Scheme 2023. Collection method: clinical testing. Allele origin: germline.
Comment: The p.E1431K variant (also known as c.4291G>A), located in coding exon 23 of the PTCH1 gene, results from a G to A substitution at nucleotide position 4291. The glutamic acid at codon 1431 is replaced by lysine, an amino acid with similar properties. This amino acid position is conserved. In addition, the in silico prediction for this alteration is inconclusive. Based on the available evidence, the clinical significance of this variant remains unclear.

Labcorp Genetics (formerly Invitae), Labcorp
Classification: Uncertain significance for Gorlin syndrome. Last evaluated: 2023-04-28. Review status: criteria provided, single submitter. Criteria: Invitae Variant Classification Sherloc (09022015). Collection method: clinical testing. Allele origin: germline.
Comment: In summary, the available evidence is currently insufficient to determine the role of this variant in disease. Therefore, it has been classified as a Variant of Uncertain Significance. Advanced modeling of protein sequence and biophysical properties (such as structural, functional, and spatial information, amino acid conservation, physicochemical variation, residue mobility, and thermodynamic stability) performed at Invitae indicates that this missense variant is not expected to disrupt PTCH1 protein function. ClinVar contains an entry for this variant (Variation ID: 1057323). This variant has not been reported in the literature in individuals affected with PTCH1-related conditions. This variant is present in population databases (rs766876016, gnomAD 0.002%). This sequence change replaces glutamic acid, which is acidic and polar, with lysine, which is basic and polar, at codon 1431 of the PTCH1 protein (p.Glu1431Lys).